The following is an entry in ClinVar:

ClinVar aggregate classification (germline): Likely benign. Review status: criteria provided, single submitter (1 of 4 stars). 2 submissions from 2 submitters: Likely benign (1). 1 of the submissions does not count toward it. Last evaluated 2024-09-13.

Conditions:
RUNX2-related disorder. Also called: RUNX2-related condition.

Submissions (2):

Blueprint Genetics
Classification: Likely benign. Last evaluated: 2024-09-13. Review status: criteria provided, single submitter. Criteria: ACMG Guidelines, 2015. Collection method: clinical testing. Allele origin: germline.

PreventionGenetics, part of Exact Sciences
Classification: Likely benign for RUNX2-related condition. Last evaluated: 2019-02-20. Review status: no assertion criteria provided. Collection method: clinical testing. Allele origin: germline. Not counted in ClinVar's aggregate classification.
Comment: This variant is classified as likely benign based on ACMG/AMP sequence variant interpretation guidelines (Richards et al. 2015 PMID: 25741868, with internal and published modifications).

NM_001024630.4(RUNX2):c.234GGC[4] (p.Ala89del)

Genes: RUNX2 (RUNX family transcription factor 2; plus strand), LOC109611589 (runt related transcription factor 2 polyalanine expansion region; plus strand). Cytogenetic location: 6p21.1.
Variant type: Microsatellite.
Coding change: c.234GGC[4] on transcript NM_001024630.4 (MANE Select); four copies in a row of the 3-base unit GGC starting at c.234; the reference has five copies in a row; one copy, 3 bases deleted.
Protein change: p.Ala89del; deletes alanine 89.
Molecular consequence: inframe indel (on NM_004348.3).
Genome position (GRCh38, 1-based): chr6:45,422,780-45,422,782, GGC deleted; deleting any 3 consecutive bases within chr6:45,422,766-45,422,782 gives the same sequence; the position shown is the placement nearest the transcript's 3' end. VCF-style (leftmost placement, unchanged base first): chr6-45422765-TGCG-T. GRCh37 (hg19) VCF-style: chr6-45390502-TGCG-T.
Other names: c.234GGC[4], p.Ala89del (NM_001015051.4); c.192GGC[4], p.Ala75del (NM_001278478.2, NM_001369405.1); c.192_194GGC[4], p.Ala75del (NM_004348.3); short protein forms A75del, A89del.
Identifiers: ClinVar variation 3056647 (VCV003056647.3), dbSNP rs750984370, ClinGen allele CA3836333.